The following is an entry in ClinVar:

ClinVar aggregate classification (germline): Uncertain significance (1 of 4 stars; one submission).

Conditions:
Hereditary cancer-predisposing syndrome. Also called: Hereditary Cancer Syndrome; Hereditary neoplastic syndrome; Tumor predisposition; Neoplastic Syndromes, Hereditary. Identifiers: Orphanet 140162, MedGen C0027672, MeSH D009386, MONDO:0015356.

Submission:

Ambry Genetics
Classification: Uncertain significance for Hereditary cancer-predisposing syndrome. Last evaluated: 2020-02-10. Review status: criteria provided, single submitter. Criteria: Ambry Variant Classification Scheme 2023. Collection method: clinical testing. Allele origin: germline.
Comment: The p.P801S variant (also known as c.2401C>T), located in coding exon 15 of the CDH1 gene, results from a C to T substitution at nucleotide position 2401. The proline at codon 801 is replaced by serine, an amino acid with similar properties. This amino acid position is highly conserved in available vertebrate species. In addition, the in silico prediction for this alteration is inconclusive. Since supporting evidence is limited at this time, the clinical significance of this alteration remains unclear.

NM_004360.5(CDH1):c.2401C>T (p.Pro801Ser)

Gene: CDH1 (cadherin 1; plus strand). Cytogenetic location: 16q22.1.
Variant type: single nucleotide variant.
Coding change: c.2401C>T on transcript NM_004360.5 (MANE Select); coding-DNA position 2401, C replaced by T.
Protein change: p.Pro801Ser; replaces proline 801 with serine.
Molecular consequence: missense variant.
Genome position (GRCh38, 1-based): chr16:68,829,759, C>T. VCF-style: chr16-68829759-C-T. GRCh37 (hg19) VCF-style: chr16-68863662-C-T.
Other names: c.2218C>T, p.Pro740Ser (NM_001317184.2); c.853C>T, p.Pro285Ser (NM_001317185.2); c.436C>T, p.Pro146Ser (NM_001317186.2); short protein forms P146S, P740S, P285S, P801S.
Identifiers: ClinVar variation 1790741 (VCV001790741.2), dbSNP rs876660704, ClinGen allele CA396471216.
Genomic context (GRCh38, chr16:68,829,759, plus strand): 5'-GAAGTGACTCGTAACGACGTTGCACCAACCCTCATGAGTGTCCCCCGGTATCTTCCCCGC[C>T]CTGCCAATCCCGATGAAATTGGAAATTTTATTGATGAAGTAAGTAATCCACGTGGAAAGC-3'
Protein context (NP_004351.1, residues 791-811): LMSVPRYLPR[Pro801Ser]ANPDEIGNFI